The following is an entry in ClinVar:

NM_000069.3(CACNA1S):c.1274del (p.Cys425fs)

Gene: CACNA1S (calcium voltage-gated channel subunit alpha1 S; minus strand). Cytogenetic location: 1q32.1.
Variant type: Deletion.
Coding change: c.1274del on transcript NM_000069.3 (MANE Select); coding-DNA position 1274, one base deleted (G; older notation c.1274delG).
Protein change: p.Cys425fs; shifts the reading frame from cysteine 425.
Molecular consequence: frameshift variant.
Genome position (GRCh38, 1-based): chr1:201,083,281, C deleted on the plus strand (G on the coding strand, the reverse complement: CACNA1S is on the minus strand). VCF-style (leftmost placement, unchanged base first): chr1-201083280-GC-G. GRCh37 (hg19) VCF-style: chr1-201052408-GC-G.
Other names: short protein forms C425fs.
Identifiers: ClinVar variation 1074196 (VCV001074196.7), dbSNP rs2102151799, ClinGen allele CA2499214398.

ClinVar aggregate classification (germline): Pathogenic (1 of 4 stars; one submission).

Conditions:
Hypokalemic periodic paralysis, type 1. Also called: HypoPP; Hypokalemic Periodic Paralysis Type 1 (AD). Identifiers: Orphanet 681, MedGen C3714580, MONDO:0042979, OMIM 170400.
Malignant hyperthermia, susceptibility to, 5 (MHS5). Also called: CACNA1S-Related Malignant Hyperthermia Susceptibility. Identifiers: Orphanet 423, MedGen C1866077, MONDO:0011163, OMIM 601887.

Submission:

Labcorp Genetics (formerly Invitae), Labcorp
Classification: Pathogenic for Hypokalemic periodic paralysis, type 1; Malignant hyperthermia, susceptibility to, 5. Last evaluated: 2022-03-03. Review status: criteria provided, single submitter. Criteria: Invitae Variant Classification Sherloc (09022015). Collection method: clinical testing. Allele origin: germline.
Comment: This sequence change creates a premature translational stop signal (p.Cys425Serfs*5) in the CACNA1S gene. It is expected to result in an absent or disrupted protein product. Loss-of-function variants in CACNA1S are known to be pathogenic (PMID: 26247046, 28012042). This variant is not present in population databases (gnomAD no frequency). This variant has not been reported in the literature in individuals affected with CACNA1S-related conditions. ClinVar contains an entry for this variant (Variation ID: 1074196). For these reasons, this variant has been classified as Pathogenic.

Literature cited by the submitters: PubMed 26247046; PubMed 28012042.